The following is an entry in ClinVar:

NM_022773.4(LMF1):c.1529+2T>C

Gene: LMF1 (lipase maturation factor 1; minus strand). Cytogenetic location: 16p13.3.
Variant type: single nucleotide variant.
Coding change: c.1529+2T>C on transcript NM_022773.4 (MANE Select); the canonical splice donor site of the intron after coding-DNA position 1529, T replaced by C.
Molecular consequence: splice donor variant.
Genome position (GRCh38, 1-based): chr16:868,942, A>G on the plus strand (T>C on the coding strand, the complement: LMF1 is on the minus strand). VCF-style: chr16-868942-A-G. GRCh37 (hg19) VCF-style: chr16-918942-A-G.
Other names: c.1202+2T>C (NM_001352019.2); c.878+2T>C (NM_001352017.2, NM_001352021.2); c.1130+2T>C (NM_001352018.2); c.1449+2T>C (NM_001352020.1).
Identifiers: ClinVar variation 4772358 (VCV004772358.1).

ClinVar aggregate classification (germline): Uncertain significance (1 of 4 stars; one submission).

Submission:

Labcorp Genetics (formerly Invitae), Labcorp
Classification: Uncertain significance. Last evaluated: 2025-08-12. Review status: criteria provided, single submitter. Criteria: Invitae Variant Classification Sherloc (09022015). Collection method: clinical testing. Allele origin: germline.
Comment: This sequence change affects a donor splice site in intron 10 of the LMF1 gene. While this variant is not anticipated to result in nonsense mediated decay, it likely alters RNA splicing and results in a disrupted protein product. This variant is not present in population databases (gnomAD no frequency). This variant has not been reported in the literature in individuals affected with LMF1-related conditions. Variants that disrupt the consensus splice site are a relatively common cause of aberrant splicing (PMID: 17576681, 9536098). Algorithms developed to predict the effect of sequence changes on RNA splicing suggest that this variant may disrupt the consensus splice site. In summary, the available evidence is currently insufficient to determine the role of this variant in disease. Therefore, it has been classified as a Variant of Uncertain Significance.

Literature cited by the submitters: PubMed 17576681; PubMed 9536098.